The following is an entry in ClinVar:

ClinVar aggregate classification (germline): Uncertain significance (1 of 4 stars; one submission).

Conditions:
Cardiomyopathy (CMYO). Also called: Cardiomyopathies. Identifiers: Orphanet 167848, MedGen C0878544, MONDO:0004994, HP:0001638. Inheritance: Various modes of inheritance.

Submission:

Color Diagnostics, LLC DBA Color Health
Classification: Uncertain significance for Cardiomyopathy. Last evaluated: 2025-07-25. Review status: criteria provided, single submitter. Criteria: ACMG Guidelines, 2015. Collection method: clinical testing. Allele origin: germline.
Comment: This missense variant replaces isoleucine with leucine at codon 1446 of the RYR2 protein. Computational prediction suggests that this variant may not impact protein structure and function. To our knowledge, functional studies have not been reported for this variant. This variant has not been reported in individuals affected with RYR2-related disorders in the literature. This variant has not been identified in the general population by the Genome Aggregation Database (gnomAD). The available evidence is insufficient to determine the role of this variant in disease conclusively. Therefore, this variant is classified as a Variant of Uncertain Significance.

NM_001035.3(RYR2):c.4336A>C (p.Ile1446Leu)

Gene: RYR2 (ryanodine receptor 2; plus strand). Cytogenetic location: 1q43.
Variant type: single nucleotide variant.
Coding change: c.4336A>C on transcript NM_001035.3 (MANE Select); coding-DNA position 4336, A replaced by C.
Protein change: p.Ile1446Leu; replaces isoleucine 1446 with leucine.
Molecular consequence: missense variant.
Genome position (GRCh38, 1-based): chr1:237,593,536, A>C. VCF-style: chr1-237593536-A-C. GRCh37 (hg19) VCF-style: chr1-237756836-A-C.
Other names: short protein forms I1446L.
Identifiers: ClinVar variation 4759086 (VCV004759086.1).